The following is an entry in ClinVar:

NM_153717.3(EVC):c.2859C>A (p.Asp953Glu)

Gene: EVC (EvC ciliary complex subunit 1; plus strand). Cytogenetic location: 4p16.2.
Variant type: single nucleotide variant.
Coding change: c.2859C>A on transcript NM_153717.3 (MANE Select); coding-DNA position 2859, C replaced by A.
Protein change: p.Asp953Glu; replaces aspartic acid 953 with glutamic acid.
Molecular consequence: missense variant.
Genome position (GRCh38, 1-based): chr4:5,810,415, C>A. VCF-style: chr4-5810415-C-A. GRCh37 (hg19) VCF-style: chr4-5812142-C-A.
Other names: c.2859C>A, p.Asp953Glu (NM_001306090.2); short protein forms D953E.
Identifiers: ClinVar variation 2171447 (VCV002171447.1), dbSNP rs751735837, ClinGen allele CA2836715.

ClinVar aggregate classification (germline): Uncertain significance (1 of 4 stars; one submission).

Conditions:
Ellis-van Creveld syndrome (EVC). Also called: EVC-Related Ellis-van Creveld Syndrome; EVC2-Related Ellis-van Creveld Syndrome; Chondroectodermal dysplasia; MESOECTODERMAL DYSPLASIA. Identifiers: Orphanet 289, MedGen C0013903, MONDO:0009162, OMIM 225500.
Curry-Hall syndrome (WAD). Also called: WEYERS ACRODENTAL DYSOSTOSIS. Identifiers: Orphanet 952, MedGen C0457013, MONDO:0008673, OMIM 193530.

Allele frequency attached by ClinVar (database versions not stated): ExAC 0.00001; gnomAD 0.00001; TOPMed 0.00001.

Submission:

Labcorp Genetics (formerly Invitae), Labcorp
Classification: Uncertain significance for Curry-Hall syndrome; Ellis-van Creveld syndrome. Last evaluated: 2022-07-07. Review status: criteria provided, single submitter. Criteria: Invitae Variant Classification Sherloc (09022015). Collection method: clinical testing. Allele origin: germline.
Comment: This sequence change replaces aspartic acid, which is acidic and polar, with glutamic acid, which is acidic and polar, at codon 953 of the EVC protein (p.Asp953Glu). This variant is present in population databases (rs751735837, gnomAD 0.004%). This variant has not been reported in the literature in individuals affected with EVC-related conditions. Algorithms developed to predict the effect of missense changes on protein structure and function output the following: SIFT: "Tolerated"; PolyPhen-2: "Benign"; Align-GVGD: "Class C0". The glutamic acid amino acid residue is found in multiple mammalian species, which suggests that this missense change does not adversely affect protein function. In summary, the available evidence is currently insufficient to determine the role of this variant in disease. Therefore, it has been classified as a Variant of Uncertain Significance.